The following is an entry in ClinVar:

ClinVar aggregate classification (germline): Likely pathogenic. Review status: criteria provided, multiple submitters, no conflicts (2 of 4 stars). 2 submissions from 2 submitters: Likely pathogenic (2). Last evaluated 2025-08-22.

Conditions:
Autosomal recessive limb-girdle muscular dystrophy type 2J (LGMDR10). Also called: MUSCULAR DYSTROPHY, LIMB-GIRDLE, AUTOSOMAL RECESSIVE 10; Limb-girdle muscular dystrophy, type 2J. Identifiers: Orphanet 140922, MedGen C1837342, MONDO:0012127, OMIM 608807.
Dilated cardiomyopathy 1G (CMD1G). Identifiers: Orphanet 154, MedGen C1858763, MONDO:0011400, OMIM 604145.

Allele frequency attached by ClinVar (database versions not stated): gnomAD 0.00001.
gnomAD v4.1: 2 of 1,612,882 alleles (0.00012%); highest among the groups gnomAD compares: Admixed American, 0.0017%; no homozygotes.

Submissions (2):

Labcorp Genetics (formerly Invitae), Labcorp
Classification: Likely pathogenic for Dilated cardiomyopathy 1G; Autosomal recessive limb-girdle muscular dystrophy type 2J. Last evaluated: 2025-08-22. Review status: criteria provided, single submitter. Criteria: Invitae Variant Classification Sherloc (09022015). Collection method: clinical testing. Allele origin: germline.
Comment: This sequence change creates a premature translational stop signal (p.Arg6703*) in the TTN gene. While this is not anticipated to result in nonsense mediated decay, it is expected to create a truncated TTN protein. This variant is not present in population databases (gnomAD no frequency). This variant has not been reported in the literature in individuals affected with TTN-related conditions. ClinVar contains an entry for this variant (Variation ID: 1405031). Algorithms developed to predict the effect of sequence changes on RNA splicing suggest that this variant may disrupt the consensus splice site. This variant is located in the I band of TTN (PMID: 25589632). Truncating variants in this region have been reported in individuals affected with autosomal recessive centronuclear myopathy (PMID: 23975875, internal data). Truncating variants in this region have also been identified in individuals affected with autosomal dominant dilated cardiomyopathy and/or cardio-related conditions (PMID: 27869827, 32964742, internal data). In summary, the currently available evidence indicates that the variant is pathogenic, but additional data are needed to prove that conclusively. Therefore, this variant has been classified as Likely Pathogenic.

GeneDx
Classification: Likely pathogenic. Last evaluated: 2025-05-08. Review status: criteria provided, single submitter. Criteria: GeneDx Variant Classification Process June 2021. Collection method: clinical testing. Allele origin: germline. Affected: yes.
Comment: Nonsense variant predicted to result in protein truncation or nonsense mediated decay in a region of a gene for which loss of function is not a well-established mechanism of disease; Not observed at significant frequency in large population cohorts (gnomAD); Has not been previously published as pathogenic or benign to our knowledge

Literature cited by the submitters: PubMed 25589632 (cited by Labcorp Genetics (formerly Invitae), Labcorp); PubMed 23975875 (cited by Labcorp Genetics (formerly Invitae), Labcorp); PubMed 27869827 (cited by Labcorp Genetics (formerly Invitae), Labcorp); PubMed 32964742 (cited by Labcorp Genetics (formerly Invitae), Labcorp).

NM_001267550.2(TTN):c.20107C>T (p.Arg6703Ter)

Genes: TTN (titin; minus strand), LOC126806429 (BRD4-independent group 4 enhancer GRCh37_chr2:179591393-179592592; plus strand). Cytogenetic location: 2q31.2.
Variant type: single nucleotide variant.
Coding change: c.20107C>T on transcript NM_001267550.2 (MANE Select); coding-DNA position 20107, C replaced by T.
Protein change: p.Arg6703Ter; replaces arginine 6703 with a stop codon.
Molecular consequence: nonsense. On other transcripts: intron variant (3).
Genome position (GRCh38, 1-based): chr2:178,727,258, G>A on the plus strand (C>T on the coding strand, the complement: TTN is on the minus strand). VCF-style: chr2-178727258-G-A. GRCh37 (hg19) VCF-style: chr2-179591985-G-A.
Other names: c.19156C>T, p.Arg6386Ter (NM_001256850.1); c.16375C>T, p.Arg5459Ter (NM_133378.4); c.13282+10824C>T (NM_003319.4); c.13858+10824C>T (NM_133437.4); c.13657+10824C>T (NM_133432.3); c.20107C>T (NM_001267550.1); short protein forms R5459*, R6703*, R6386*.
Identifiers: ClinVar variation 1405031 (VCV001405031.7), dbSNP rs2079499416, ClinGen allele CA349548971.
Genomic context (GRCh38, chr2:178,727,258, plus strand): 5'-CCACTGAGTCAATGAAAGTCATTCTGTACTTATCACTGGCTGGAAGTTCATGTTCATTTC[G>A]GAACCACACAACTCTGATTTCTGGGGATCCAGCTATCTTGCATTCAAGTCGTGAAGAGTC-3'